The following is an entry in ClinVar:

ClinVar aggregate classification (germline): Likely pathogenic (1 of 4 stars; one submission).

Conditions:
Marfan syndrome (MFS). Also called: FBN1-Related Marfan Syndrome; MARFAN SYNDROME, TYPE I; Marfan syndrome type 1; Marfan's syndrome; Marfan syndrome, classic. Identifiers: Orphanet 284963, Orphanet 558, MedGen C0024796, MONDO:0007947, OMIM 154700.
Familial thoracic aortic aneurysm and aortic dissection (TAAD). Also called: Thoracic aortic aneurysms and dissections. Identifiers: Orphanet 91387, MedGen C4707243, MONDO:0019625.

Submission:

Labcorp Genetics (formerly Invitae), Labcorp
Classification: Likely pathogenic for Marfan syndrome; Familial thoracic aortic aneurysm and aortic dissection. Last evaluated: 2025-07-15. Review status: criteria provided, single submitter. Criteria: Invitae Variant Classification Sherloc (09022015). Collection method: clinical testing. Allele origin: germline.
Comment: This sequence change replaces cysteine, which is neutral and slightly polar, with serine, which is neutral and polar, at codon 2552 of the FBN1 protein (p.Cys2552Ser). This variant is not present in population databases (gnomAD no frequency). This variant has not been reported in the literature in individuals affected with FBN1-related conditions. Invitae Evidence Modeling of protein sequence and biophysical properties (such as structural, functional, and spatial information, amino acid conservation, physicochemical variation, residue mobility, and thermodynamic stability) indicates that this missense variant is expected to disrupt FBN1 protein function with a positive predictive value of 95%. This variant affects a cysteine residue in the EGF-like, TGFBP or hybrid motif domains of FBN1. Cysteine residues are believed to be involved in intramolecular disulfide bridges and have been shown to be important for FBN1 protein structure (PMID: 16905551, 19349279). In addition, missense substitutions affecting cysteine residues within these domains are significantly overrepresented among patients with Marfan syndrome (PMID: 16571647, 17701892). In summary, the currently available evidence indicates that the variant is pathogenic, but additional data are needed to prove that conclusively. Therefore, this variant has been classified as Likely Pathogenic.

Literature cited by the submitters: PubMed 16905551; PubMed 19349279; PubMed 16571647; PubMed 17701892.

NM_000138.5(FBN1):c.7654T>A (p.Cys2552Ser)

Gene: FBN1 (fibrillin 1; minus strand). Cytogenetic location: 15q21.1.
Variant type: single nucleotide variant.
Coding change: c.7654T>A on transcript NM_000138.5 (MANE Select); coding-DNA position 7654, T replaced by A.
Protein change: p.Cys2552Ser; replaces cysteine 2552 with serine.
Molecular consequence: missense variant.
Genome position (GRCh38, 1-based): chr15:48,421,603, A>T on the plus strand (T>A on the coding strand, the complement: FBN1 is on the minus strand). VCF-style: chr15-48421603-A-T. GRCh37 (hg19) VCF-style: chr15-48713800-A-T.
Other names: c.7654T>A, p.Cys2552Ser (NM_001406716.1); short protein forms C2552S.
Identifiers: ClinVar variation 4789631 (VCV004789631.1).